The following is an entry in ClinVar:

NM_003718.5(CDK13):c.3230C>T (p.Ala1077Val)

Gene: CDK13 (cyclin dependent kinase 13; plus strand). Cytogenetic location: 7p14.1.
Variant type: single nucleotide variant.
Coding change: c.3230C>T on transcript NM_003718.5 (MANE Select); coding-DNA position 3230, C replaced by T.
Protein change: p.Ala1077Val; replaces alanine 1077 with valine.
Molecular consequence: missense variant.
Genome position (GRCh38, 1-based): chr7:40,088,326, C>T. VCF-style: chr7-40088326-C-T. GRCh37 (hg19) VCF-style: chr7-40127925-C-T.
Other names: c.3230C>T, p.Ala1077Val (NM_031267.4); short protein forms A1077V.
Identifiers: ClinVar variation 3683198 (VCV003683198.2).
Genomic context (GRCh38, chr7:40,088,326, plus strand): 5'-ACACACCCCAGGGTGTGCTGCCATCTTCACAGCTGAAATCTCAGGGCAGCTCAAATGTGG[C>T]ACCTGGTCAGTAATGCTTCCATGGGTTGGTTTTCTTCACATTGTTTTGCAGTTAATTCTG-3'
Protein context (NP_003709.3, residues 1067-1087): QLKSQGSSNV[Ala1077Val]PVKTGPGQHL

ClinVar aggregate classification (germline): Uncertain significance (1 of 4 stars; one submission).

gnomAD v4.1: 11 of 1,610,346 alleles (0.00068%); highest among the groups gnomAD compares: South Asian, 0.012%; no homozygotes.

Submission:

Labcorp Genetics (formerly Invitae), Labcorp
Classification: Uncertain significance. Last evaluated: 2024-04-24. Review status: criteria provided, single submitter. Criteria: Invitae Variant Classification Sherloc (09022015). Collection method: clinical testing. Allele origin: germline.
Comment: This sequence change replaces alanine, which is neutral and non-polar, with valine, which is neutral and non-polar, at codon 1077 of the CDK13 protein (p.Ala1077Val). This variant is present in population databases (rs765226227, gnomAD 0.01%). This variant has not been reported in the literature in individuals affected with CDK13-related conditions. Advanced modeling of protein sequence and biophysical properties (such as structural, functional, and spatial information, amino acid conservation, physicochemical variation, residue mobility, and thermodynamic stability) performed at Invitae indicates that this missense variant is not expected to disrupt CDK13 protein function with a negative predictive value of 95%. In summary, the available evidence is currently insufficient to determine the role of this variant in disease. Therefore, it has been classified as a Variant of Uncertain Significance.